The following is an entry in ClinVar:

ClinVar aggregate classification (germline): Uncertain significance (1 of 4 stars; one submission).

Conditions:
Arrhythmogenic right ventricular dysplasia 8 (ARVD8). Also called: Arrhythmogenic Right Ventricular Dysplasia/Cardiomyopathy 8; ARRHYTHMOGENIC RIGHT VENTRICULAR DYSPLASIA, FAMILIAL, 8; ARRHYTHMOGENIC RIGHT VENTRICULAR CARDIOMYOPATHY 8. Identifiers: MedGen C1843896, MONDO:0011831, OMIM 607450.
Arrhythmogenic cardiomyopathy with wooly hair and keratoderma. Also called: PALMOPLANTAR KERATODERMA WITH LEFT VENTRICULAR CARDIOMYOPATHY AND WOOLLY HAIR; Carvajal syndrome; Dilated cardiomyopathy with woolly hair and keratoderma; Arrhythmogenic cardiomyopathy with woolly hair and keratoderma. Identifiers: Orphanet 65282, MedGen C1854063, MONDO:0011581, OMIM 605676.

Submission:

Labcorp Genetics (formerly Invitae), Labcorp
Classification: Uncertain significance for Arrhythmogenic cardiomyopathy with wooly hair and keratoderma; Arrhythmogenic right ventricular dysplasia 8. Last evaluated: 2024-10-06. Review status: criteria provided, single submitter. Criteria: Invitae Variant Classification Sherloc (09022015). Collection method: clinical testing. Allele origin: germline.
Comment: This sequence change replaces tyrosine, which is neutral and polar, with histidine, which is basic and polar, at codon 2817 of the DSP protein (p.Tyr2817His). This variant is not present in population databases (gnomAD no frequency). This variant has not been reported in the literature in individuals affected with DSP-related conditions. An algorithm developed to predict the effect of missense changes on protein structure and function (PolyPhen-2) suggests that this variant is likely to be disruptive. In summary, the available evidence is currently insufficient to determine the role of this variant in disease. Therefore, it has been classified as a Variant of Uncertain Significance.

NM_004415.4(DSP):c.8449T>C (p.Tyr2817His)

Gene: DSP (desmoplakin; plus strand). Cytogenetic location: 6p24.3.
Variant type: single nucleotide variant.
Coding change: c.8449T>C on transcript NM_004415.4 (MANE Select); coding-DNA position 8449, T replaced by C.
Protein change: p.Tyr2817His; replaces tyrosine 2817 with histidine.
Molecular consequence: missense variant.
Genome position (GRCh38, 1-based): chr6:7,585,711, T>C. VCF-style: chr6-7585711-T-C. GRCh37 (hg19) VCF-style: chr6-7585944-T-C.
Other names: c.6652T>C, p.Tyr2218His (NM_001008844.3); c.7120T>C, p.Tyr2374His (NM_001319034.2); short protein forms Y2218H, Y2374H, Y2817H.
Identifiers: ClinVar variation 3751031 (VCV003751031.2).